The following is an entry in ClinVar:

ClinVar aggregate classification (germline): Likely benign (1 of 4 stars; one submission).

gnomAD v4.1: 53 of 1,611,608 alleles (0.0033%); highest among the groups gnomAD compares: African/African-American, 0.0054%; no homozygotes.

Submission:

Mayo Clinic Laboratories, Mayo Clinic
Classification: Likely benign. Last evaluated: 2025-07-21. Review status: criteria provided, single submitter. Criteria: ACMG Guidelines, 2015. Collection method: clinical testing. Allele origin: germline. Observed: 1 variant allele.
Comment: BP1, BP4_moderate

NM_001201550.3(CFHR4):c.1273G>C (p.Asp425His)

Gene: CFHR4 (complement factor H related 4; plus strand). Cytogenetic location: 1q31.3.
Variant type: single nucleotide variant.
Coding change: c.1273G>C on transcript NM_001201550.3 (MANE Select); coding-DNA position 1273, G replaced by C.
Protein change: p.Asp425His; replaces aspartic acid 425 with histidine.
Molecular consequence: missense variant.
Genome position (GRCh38, 1-based): chr1:196,914,587, G>C. VCF-style: chr1-196914587-G-C. GRCh37 (hg19) VCF-style: chr1-196883717-G-C.
Other names: p.Asp424His; c.1270G>C, p.Asp424His (NM_001201551.2); c.532G>C, p.Asp178His (NM_006684.5); short protein forms D178H, D424H, D425H.
Identifiers: ClinVar variation 4684007 (VCV004684007.1).